The following is an entry in ClinVar:

ClinVar aggregate classification (germline): Uncertain significance. Review status: reviewed by expert panel (3 of 4 stars). 2 submissions from 2 submitters: Uncertain significance (1). 1 of the submissions does not count toward it. Last evaluated 2024-09-16.

Conditions:
Hereditary thrombocytopenia and hematological cancer predisposition syndrome associated with RUNX1. Also called: Familial Platelet Disorder with Propensity to Acute Myelogenous Leukemia; Familial thrombocytopenia with propensity to acute myelogenous leukemia; PLATELET DISORDER, ASPIRIN-LIKE; RUNX1 Familial Platelet Disorder with Associated Myeloid Malignancies. Identifiers: Orphanet 71290, MedGen C1832388, MeSH C563324, MONDO:0100083, OMIM 601399.
Hereditary thrombocytopenia and hematologic cancer predisposition syndrome. Identifiers: Orphanet 71290, MedGen CN281654, MONDO:0011071.

Allele frequency attached by ClinVar (database versions not stated): gnomAD exomes below 0.00001; ExAC 0.00001; gnomAD 0.00001; TOPMed 0.00001.
gnomAD v4.1: 2 of 1,614,096 alleles (0.00012%); highest among the groups gnomAD compares: Admixed American, 0.0033%; no homozygotes.

Submissions (2):

ClinGen Myeloid Malignancy Variant Curation Expert Panel
Classification: Uncertain significance for Hereditary thrombocytopenia and hematologic cancer predisposition syndrome. Last evaluated: 2024-09-16. Review status: reviewed by expert panel. Criteria: ClinGen MyeloMalig ACMG Specifications v2. Collection method: curation. Allele origin: germline. Inheritance: Autosomal dominant inheritance.
Comment: NM_001754.5(RUNX1):c.546C>A (p.Asn182Lys) is a missense variant which is located within the Runt Homology Domain (AA 89-204), but does not occur in an established hotspot residue (PM1_supporting). In summary, the clinical significance of this variant is uncertain. ACMG/AMP criteria applied, as specified by the Myeloid Malignancy Variant Curation Expert Panel for RUNX1: PM1_supporting.

Labcorp Genetics (formerly Invitae), Labcorp
Classification: Uncertain significance for Hereditary thrombocytopenia and hematological cancer predisposition syndrome associated with RUNX1. Last evaluated: 2023-07-29. Review status: criteria provided, single submitter. Criteria: Invitae Variant Classification Sherloc (09022015). Collection method: clinical testing. Allele origin: germline. Not counted in ClinVar's aggregate classification.
Comment: In summary, the available evidence is currently insufficient to determine the role of this variant in disease. Therefore, it has been classified as a Variant of Uncertain Significance. Advanced modeling of protein sequence and biophysical properties (such as structural, functional, and spatial information, amino acid conservation, physicochemical variation, residue mobility, and thermodynamic stability) has been performed at Invitae for this missense variant, however the output from this modeling did not meet the statistical confidence thresholds required to predict the impact of this variant on RUNX1 protein function. This variant has not been reported in the literature in individuals affected with RUNX1-related conditions. This variant is present in population databases (rs773071163, gnomAD 0.003%). This sequence change replaces asparagine, which is neutral and polar, with lysine, which is basic and polar, at codon 182 of the RUNX1 protein (p.Asn182Lys).

NM_001754.5(RUNX1):c.546C>A (p.Asn182Lys)

Genes: RUNX1 (RUNX family transcription factor 1; minus strand), RUNX1-AS1 (RUNX1 antisense RNA 1; plus strand). Cytogenetic location: 21q22.12.
Variant type: single nucleotide variant.
Coding change: c.546C>A on transcript NM_001754.5 (MANE Select); coding-DNA position 546, C replaced by A.
Protein change: p.Asn182Lys; replaces asparagine 182 with lysine.
Molecular consequence: missense variant.
Genome position (GRCh38, 1-based): chr21:34,859,541, G>T on the plus strand (C>A on the coding strand, the complement: RUNX1 is on the minus strand). VCF-style: chr21-34859541-G-T. GRCh37 (hg19) VCF-style: chr21-36231838-G-T.
Other names: NM_001754.5(RUNX1):c.546C>A; p.Asn182Lys; c.465C>A, p.Asn155Lys (NM_001001890.3, NM_001122607.2); short protein forms N155K, N182K.
Identifiers: ClinVar variation 2805900 (VCV002805900.4), dbSNP rs773071163, ClinGen allele CA10014479.
Genomic context (GRCh38, chr21:34,859,541, plus strand): 5'-TTCTCGGGGCCCATCCACTGTGATTTTGATGGCTCTGTGGTAGGTGGCGACTTGCGGTGG[G>T]TTTGTGAAGACAGTGATGGTCAGAGTGAAGCTTTTCCCTGTGGGGACACGATAGAGAACA-3'
Protein context (NP_001745.2, residues 172-192): SFTLTITVFT[Asn182Lys]PPQVATYHRA